The following is an entry in ClinVar:

NM_014112.5(TRPS1):c.3400G>A (p.Val1134Ile)

Gene: TRPS1 (transcriptional repressor GATA binding 1; minus strand). Cytogenetic location: 8q23.3.
Variant type: single nucleotide variant.
Coding change: c.3400G>A on transcript NM_014112.5 (MANE Select); coding-DNA position 3400, G replaced by A.
Protein change: p.Val1134Ile; replaces valine 1134 with isoleucine.
Molecular consequence: missense variant.
Genome position (GRCh38, 1-based): chr8:115,414,508, C>T on the plus strand (G>A on the coding strand, the complement: TRPS1 is on the minus strand). VCF-style: chr8-115414508-C-T. GRCh37 (hg19) VCF-style: chr8-116426736-C-T.
Other names: c.3373G>A, p.Val1125Ile (NM_001282902.3); c.3379G>A, p.Val1127Ile (NM_001282903.3); c.3361G>A, p.Val1121Ile (NM_001330599.2); short protein forms V1125I, V1134I, V1121I, V1127I.
Identifiers: ClinVar variation 1466845 (VCV001466845.7), dbSNP rs143500511, ClinGen allele CA4851490.
Genomic context (GRCh38, chr8:115,414,508, plus strand): 5'-AGTTTTGGCAAGGATTTGGTAGGCCAGGCACGTGACTCAAGTAGTGCGGATTCCCAGGAA[C>T]GGAGAGCTTATATTTACTCCAGAACCGCAGCCAATCAGCTTCACTCTGGAAGTCATTATG-3'
Protein context (NP_054831.2, residues 1124-1144): LRFWSKYKLS[Val1134Ile]PGNPHYLSHV

ClinVar aggregate classification (germline): Uncertain significance (1 of 4 stars; one submission).

Conditions:
Trichorhinophalangeal syndrome, type III (TRPS3). Also called: SUGIO-KAJII SYNDROME. Identifiers: Orphanet 77258, MedGen C1860823, OMIM 190351, MONDO:0008597.
Trichorhinophalangeal dysplasia type I (TRPS1). Also called: TRPS I; TRICHORHINOPHALANGEAL SYNDROME, TYPE I. Identifiers: Orphanet 77258, MedGen C0432233, MONDO:0008596, OMIM 190350.

Allele frequency attached by ClinVar (database versions not stated): gnomAD 0.00012 and 0.00013; TOPMed 0.00014; ESP Exome Variant Server 0.00016.
gnomAD v4.1: 115 of 1,613,748 alleles (0.0071%); highest among the groups gnomAD compares: African/African-American, 0.024%; no homozygotes.

Submission:

Labcorp Genetics (formerly Invitae), Labcorp
Classification: Uncertain significance for Trichorhinophalangeal syndrome, type III; Trichorhinophalangeal dysplasia type I. Last evaluated: 2025-01-13. Review status: criteria provided, single submitter. Criteria: Invitae Variant Classification Sherloc (09022015). Collection method: clinical testing. Allele origin: germline.
Comment: This sequence change replaces valine, which is neutral and non-polar, with isoleucine, which is neutral and non-polar, at codon 1134 of the TRPS1 protein (p.Val1134Ile). This variant is present in population databases (rs143500511, gnomAD 0.009%). This variant has not been reported in the literature in individuals affected with TRPS1-related conditions. ClinVar contains an entry for this variant (Variation ID: 1466845). Invitae Evidence Modeling of protein sequence and biophysical properties (such as structural, functional, and spatial information, amino acid conservation, physicochemical variation, residue mobility, and thermodynamic stability) indicates that this missense variant is not expected to disrupt TRPS1 protein function with a negative predictive value of 80%. In summary, the available evidence is currently insufficient to determine the role of this variant in disease. Therefore, it has been classified as a Variant of Uncertain Significance.